The following is an entry in ClinVar:

ClinVar aggregate classification (germline): Benign. Review status: criteria provided, multiple submitters, no conflicts (2 of 4 stars). 2 submissions from 2 submitters: Benign (2). Last evaluated 2018-06-19.

Allele frequency attached by ClinVar (database versions not stated): gnomAD 0.23512 and 0.24340; TOPMed 0.24645; 1000 Genomes Project 30x 0.28529; 1000 Genomes Project 0.28814; gnomAD exomes 0.28816.
gnomAD v4.1: 247,961 of 884,908 alleles (28%); highest among the groups gnomAD compares: East Asian, 45%; 36,983 homozygotes.

Submissions (2):

GeneDx
Classification: Benign. Last evaluated: 2018-06-19. Review status: criteria provided, single submitter. Criteria: GeneDx Variant Classification (06012015). Collection method: clinical testing. Allele origin: germline. Affected: yes.
Comment: This variant is considered likely benign or benign based on one or more of the following criteria: it is a conservative change, it occurs at a poorly conserved position in the protein, it is predicted to be benign by multiple in silico algorithms, and/or has population frequency not consistent with disease.

Breakthrough Genomics
Classification: Benign. Review status: criteria provided, single submitter. Criteria: ACMG Guidelines, 2015. Collection method: not provided. Allele origin: germline. Inheritance: Autosomal recessive inheritance. Affected: yes.

NM_006420.3(ARFGEF2):c.424-130C>A

Gene: ARFGEF2 (ARF guanine nucleotide exchange factor 2; plus strand). Cytogenetic location: 20q13.13.
Variant type: single nucleotide variant.
Coding change: c.424-130C>A on transcript NM_006420.3 (MANE Select); 130 bases into the intron before coding-DNA position 424, C replaced by A.
Molecular consequence: intron variant.
Genome position (GRCh38, 1-based): chr20:48,952,575, C>A. VCF-style: chr20-48952575-C-A. GRCh37 (hg19) VCF-style: chr20-47569112-C-A.
Identifiers: ClinVar variation 679352 (VCV000679352.2), dbSNP rs2295030, ClinGen allele CA15969343.